The following is an entry in ClinVar:

ClinVar aggregate classification (germline): Benign/Likely benign. Review status: criteria provided, multiple submitters, no conflicts (2 of 4 stars). 4 submissions from 4 submitters: Benign (1); Likely benign (3). Last evaluated 2026-02-02.

Conditions:
Coenzyme Q10 deficiency, primary, 3 (COQ10D3). Identifiers: Orphanet 255249, MedGen C3553358, MONDO:0013838, OMIM 614652.

Allele frequency attached by ClinVar (database versions not stated): gnomAD exomes 0.00008 and 0.00021; ExAC 0.00022; ESP Exome Variant Server 0.00069; gnomAD 0.00082 and 0.00084; TOPMed 0.00093; 1000 Genomes Project 30x 0.00094; 1000 Genomes Project 0.00100.
gnomAD v4.1: 248 of 1,559,972 alleles (0.016%); highest among the groups gnomAD compares: African/African-American, 0.24%; 1 homozygote.

Submissions (4):

Labcorp Genetics (formerly Invitae), Labcorp
Classification: Benign. Last evaluated: 2026-02-02. Review status: criteria provided, single submitter. Criteria: Invitae Variant Classification Sherloc (09022015). Collection method: clinical testing. Allele origin: germline.

Blueprint Genetics
Classification: Likely benign. Last evaluated: 2024-11-04. Review status: criteria provided, single submitter. Criteria: ACMG Guidelines, 2015. Collection method: clinical testing. Allele origin: germline.

Fulgent Genetics
Classification: Likely benign for Coenzyme Q10 deficiency, primary, 3. Last evaluated: 2021-12-15. Review status: criteria provided, single submitter. Criteria: ACMG Guidelines, 2015. Collection method: clinical testing. Allele origin: unknown.

GeneDx
Classification: Likely benign. Last evaluated: 2015-10-27. Review status: criteria provided, single submitter. Criteria: GeneDx Variant Classification (06012015). Collection method: clinical testing. Allele origin: germline. Affected: yes.
Comment: This variant is considered likely benign or benign based on one or more of the following criteria: it is a conservative change, it occurs at a poorly conserved position in the protein, it is predicted to be benign by multiple in silico algorithms, and/or has population frequency not consistent with disease.

NM_020381.4(PDSS2):c.1009-14C>G

Gene: PDSS2 (decaprenyl diphosphate synthase subunit 2; minus strand). Cytogenetic location: 6q21.
Variant type: single nucleotide variant.
Coding change: c.1009-14C>G on transcript NM_020381.4 (MANE Select); 14 bases into the intron before coding-DNA position 1009, C replaced by G.
Molecular consequence: intron variant.
Genome position (GRCh38, 1-based): chr6:107,193,868, G>C on the plus strand (C>G on the coding strand, the complement: PDSS2 is on the minus strand). VCF-style: chr6-107193868-G-C. GRCh37 (hg19) VCF-style: chr6-107515072-G-C.
Identifiers: ClinVar variation 378357 (VCV000378357.11), dbSNP rs188095740, ClinGen allele CA3945940.
Genomic context (GRCh38, chr6:107,193,868, plus strand): 5'-TAAAATCTGCCTACCTTAGCATAGTCCAATCTTCCTTTTTCTTGAGCCTACAAAAGAAGA[G>C]GGGAAAATTAATTTGTTACTTCTCTAAAAGTTTAGTGCTTCTATAATTTTTGCTTCTCAA-3'